The following is an entry in ClinVar:

ClinVar aggregate classification (germline): Uncertain significance. Review status: criteria provided, single submitter (1 of 4 stars). 2 submissions from 2 submitters: Uncertain significance (1). 1 of the submissions does not count toward it. Last evaluated 2022-03-14.

Conditions:
Usher syndrome type 3. Also called: Usher Syndrome, Type III. Identifiers: Orphanet 231183, MedGen C1568248, MONDO:0016485.

Submissions (2):

Labcorp Genetics (formerly Invitae), Labcorp
Classification: Uncertain significance. Last evaluated: 2022-03-14. Review status: criteria provided, single submitter. Criteria: Invitae Variant Classification Sherloc (09022015). Collection method: clinical testing. Allele origin: germline.
Comment: This sequence change replaces cysteine, which is neutral and slightly polar, with arginine, which is basic and polar, at codon 20 of the CLRN1 protein (p.Cys20Arg). This variant is not present in population databases (gnomAD no frequency). This variant has not been reported in the literature in individuals affected with CLRN1-related conditions. ClinVar contains an entry for this variant (Variation ID: 1001677). Algorithms developed to predict the effect of missense changes on protein structure and function are either unavailable or do not agree on the potential impact of this missense change (SIFT: "Deleterious"; PolyPhen-2: "Possibly Damaging"; Align-GVGD: "Class C0"). In summary, the available evidence is currently insufficient to determine the role of this variant in disease. Therefore, it has been classified as a Variant of Uncertain Significance.

Natera, Inc.
Classification: Uncertain significance for Usher syndrome type 3. Last evaluated: 2020-08-02. Review status: no assertion criteria provided. Collection method: clinical testing. Allele origin: germline. Not counted in ClinVar's aggregate classification.

NM_174878.3(CLRN1):c.58T>C (p.Cys20Arg)

Gene: CLRN1 (clarin 1; minus strand). Cytogenetic location: 3q25.1.
Variant type: single nucleotide variant.
Coding change: c.58T>C on transcript NM_174878.3 (MANE Select); coding-DNA position 58, T replaced by C.
Protein change: p.Cys20Arg; replaces cysteine 20 with arginine.
Molecular consequence: missense variant. On other transcripts: non-coding transcript variant (1).
Genome position (GRCh38, 1-based): chr3:150,972,651, A>G on the plus strand (T>C on the coding strand, the complement: CLRN1 is on the minus strand). VCF-style: chr3-150972651-A-G. GRCh37 (hg19) VCF-style: chr3-150690438-A-G.
Other names: c.58T>C, p.Cys20Arg (NM_001195794.1, NM_001256819.2); short protein forms C20R.
Identifiers: ClinVar variation 1001677 (VCV001001677.8), dbSNP rs764138183, ClinGen allele CA355012137.